The following is an entry in ClinVar:

NM_000089.4(COL1A2):c.920G>T (p.Gly307Val)

Gene: COL1A2 (collagen type I alpha 2 chain; plus strand). Cytogenetic location: 7q21.3.
Variant type: single nucleotide variant.
Coding change: c.920G>T on transcript NM_000089.4 (MANE Select); coding-DNA position 920, G replaced by T.
Protein change: p.Gly307Val; replaces glycine 307 with valine.
Molecular consequence: missense variant.
Genome position (GRCh38, 1-based): chr7:94,409,592, G>T. VCF-style: chr7-94409592-G-T. GRCh37 (hg19) VCF-style: chr7-94038904-G-T.
Other names: short protein forms G307V.
Identifiers: ClinVar variation 4998669 (VCV004998669.1).

ClinVar aggregate classification (germline): Likely pathogenic (1 of 4 stars; one submission).

Conditions:
COL1A2-related disorder. Also called: COL1A2-related condition; COL1A2-Related Disorders.

Submission:

PreventionGenetics, part of Exact Sciences
Classification: Likely pathogenic for COL1A2-related condition. Last evaluated: 2025-01-14. Review status: criteria provided, single submitter. Criteria: ACMG Guidelines, 2015. Collection method: clinical testing. Allele origin: germline.
Comment: The COL1A2 c.920G>T variant is predicted to result in the amino acid substitution p.Gly307Val. To our knowledge, this variant has not been reported in the literature or in a large population database (gnomAD), indicating this variant is rare. The p.Gly307 residue is located in the conserved Gly-Xaa-Yaa triple helical domain where substitutions of a glycine are usually pathogenic (Marini et al. 2007. PubMed ID: 17078022). This variant is interpreted as likely pathogenic.